The following is an entry in ClinVar:

NM_001319074.4(RAX2):c.47T>A (p.Leu16Gln)

Gene: RAX2 (retina and anterior neural fold homeobox 2; minus strand). Cytogenetic location: 19p13.3.
Variant type: single nucleotide variant.
Coding change: c.47T>A on transcript NM_001319074.4 (MANE Select); coding-DNA position 47, T replaced by A.
Protein change: p.Leu16Gln; replaces leucine 16 with glutamine.
Molecular consequence: missense variant.
Genome position (GRCh38, 1-based): chr19:3,771,696, A>T on the plus strand (T>A on the coding strand, the complement: RAX2 is on the minus strand). VCF-style: chr19-3771696-A-T. GRCh37 (hg19) VCF-style: chr19-3771694-A-T.
Other names: c.47T>A, p.Leu16Gln (NM_032753.4); short protein forms L16Q.
Identifiers: ClinVar variation 1062307 (VCV001062307.9), dbSNP rs751619049, ClinGen allele CA9085135.

ClinVar aggregate classification (germline): Uncertain significance (1 of 4 stars; one submission).

Allele frequency attached by ClinVar (database versions not stated): TOPMed below 0.00001; ExAC 0.00001; gnomAD 0.00001; gnomAD exomes 0.00001.

Submission:

Labcorp Genetics (formerly Invitae), Labcorp
Classification: Uncertain significance. Last evaluated: 2023-06-13. Review status: criteria provided, single submitter. Criteria: Invitae Variant Classification Sherloc (09022015). Collection method: clinical testing. Allele origin: germline.
Comment: In summary, the available evidence is currently insufficient to determine the role of this variant in disease. Therefore, it has been classified as a Variant of Uncertain Significance. An algorithm developed to predict the effect of missense changes on protein structure and function (PolyPhen-2) suggests that this variant is likely to be tolerated. ClinVar contains an entry for this variant (Variation ID: 1062307). This sequence change replaces leucine, which is neutral and non-polar, with glutamine, which is neutral and polar, at codon 16 of the RAX2 protein (p.Leu16Gln). The frequency data for this variant in the population databases is considered unreliable, as metrics indicate poor data quality at this position in the gnomAD database. This variant has not been reported in the literature in individuals affected with RAX2-related conditions.